The following is an entry in ClinVar:

NM_000059.4(BRCA2):c.2335C>G (p.Leu779Val)

Gene: BRCA2 (BRCA2 DNA repair associated; plus strand). Cytogenetic location: 13q13.1.
Variant type: single nucleotide variant.
Coding change: c.2335C>G on transcript NM_000059.4 (MANE Select); coding-DNA position 2335, C replaced by G.
Protein change: p.Leu779Val; replaces leucine 779 with valine.
Molecular consequence: missense variant. On other transcripts: non-coding transcript variant (1), intron variant (2).
Genome position (GRCh38, 1-based): chr13:32,336,690, C>G. VCF-style: chr13-32336690-C-G. GRCh37 (hg19) VCF-style: chr13-32910827-C-G.
Other names: c.2335C>G, p.Leu779Val (NM_001406719.1, NM_001406720.1, NM_001432077.1); c.1909+3303C>G (NM_001406721.1); c.424+5660C>G (NM_001406722.1); short protein forms L779V.
Identifiers: ClinVar variation 4856461 (VCV004856461.1).

ClinVar aggregate classification (germline): Likely benign (1 of 4 stars; one submission).

Conditions:
Breast-ovarian cancer, familial, susceptibility to, 2 (BROVCA2). Also called: BRCA2 Hereditary Breast and Ovarian Cancer. Identifiers: Orphanet 145, MedGen C2675520, MONDO:0012933, OMIM 612555. Disease mechanism: loss of function.

gnomAD v4.1: 1 of 1,613,812 alleles (0.000062%); highest among the groups gnomAD compares: South Asian, 0.0011%; no homozygotes.

Submission:

Cancer Bioinformatics and Tumour Evolution Laboratory, Monash University
Classification: Likely benign for Breast-ovarian cancer, familial, susceptibility to, 2. Last evaluated: 2026-05-01. Review status: criteria provided, single submitter. Criteria: ClinGen BRCA1 and BRCA2 Guidelines, 2024. Collection method: curation. Allele origin: germline. Inheritance: Autosomal dominant inheritance.
Comment: Missense variant outside of a functional domain with no splice impact. BRCA1 and BRCA2 VCEP guidelines recommend application of BP1_Strong (PMID: 39142283) PMID: 39281752 - A large scale study to determine the case-control LR of BRCA1 and BRCA2 variants. The data was consolidated in the ccLR browser. This variant was found in the browser with a LR of 0.250514748. PMID: 31131967 - Large scale multifactorial likelihood analysis conducted on behalf of ENIGMA. Variant was detected in this study. LR values have been deposited in LOVD. LR values as of May 2026 are as follows: Variant was observed in Parsons et al 2019 Family history LR = 1.348397066 Co-occurrence LR = 1.024615386 Combined LR (family history, co-occurrence and case-control LR) =0.346108265, which is in benign supporting (0.23-0.48) range. Hence, BP5 is applied.

Literature cited by the submitters: PubMed 39281752; PubMed 31131967.